The following is an entry in ClinVar:

ClinVar aggregate classification (germline): Uncertain significance (1 of 4 stars; one submission).

Conditions:
Microcephaly-intellectual disability-sensorineural hearing loss-epilepsy-abnormal muscle tone syndrome (NEDHSB). Also called: NEURODEVELOPMENTAL DISORDER WITH HEARING LOSS, SEIZURES, AND BRAIN ABNORMALITIES. Identifiers: Orphanet 457351, MedGen C4225276, MONDO:0014698, OMIM 616577.

Submission:

Labcorp Genetics (formerly Invitae), Labcorp
Classification: Uncertain significance for Microcephaly-intellectual disability-sensorineural hearing loss-epilepsy-abnormal muscle tone syndrome. Last evaluated: 2022-07-19. Review status: criteria provided, single submitter. Criteria: Invitae Variant Classification Sherloc (09022015). Collection method: clinical testing. Allele origin: germline.
Comment: This sequence change replaces serine, which is neutral and polar, with arginine, which is basic and polar, at codon 381 of the SPATA5 protein (p.Ser381Arg). This variant is not present in population databases (gnomAD no frequency). This variant has not been reported in the literature in individuals affected with SPATA5-related conditions. Advanced modeling of protein sequence and biophysical properties (such as structural, functional, and spatial information, amino acid conservation, physicochemical variation, residue mobility, and thermodynamic stability) performed at Invitae indicates that this missense variant is not expected to disrupt SPATA5 protein function. In summary, the available evidence is currently insufficient to determine the role of this variant in disease. Therefore, it has been classified as a Variant of Uncertain Significance.

NM_145207.3(AFG2A):c.1141A>C (p.Ser381Arg)

Gene: AFG2A (AFG2 AAA ATPase homolog A; plus strand). Cytogenetic location: 4q28.1.
Variant type: single nucleotide variant.
Coding change: c.1141A>C on transcript NM_145207.3 (MANE Select); coding-DNA position 1141, A replaced by C.
Protein change: p.Ser381Arg; replaces serine 381 with arginine.
Molecular consequence: missense variant.
Genome position (GRCh38, 1-based): chr4:122,934,732, A>C. VCF-style: chr4-122934732-A-C. GRCh37 (hg19) VCF-style: chr4-123855887-A-C.
Other names: c.1138A>C, p.Ser380Arg (NM_001317799.2, NM_001345856.2); short protein forms S380R, S381R.
Identifiers: ClinVar variation 2171526 (VCV002171526.1), dbSNP rs2476810502, ClinGen allele CA358103428.